The following is an entry in ClinVar:

ClinVar aggregate classification (germline): Pathogenic (1 of 4 stars; one submission).

Conditions:
Microcephaly, normal intelligence and immunodeficiency (NBS). Also called: Microcephaly with normal intelligence immunodeficiency and lymphoreticular malignancies; Nonsyndromal microcephaly autosomal recessive with normal intelligence; Seemanova syndrome 2; SEEMANOVA SYNDROME II; BERLIN BREAKAGE SYNDROME; Immunodeficiency, microcephaly with normal intelligence. Identifiers: Orphanet 647, MedGen C0398791, MONDO:0009623, OMIM 251260.

Submission:

Labcorp Genetics (formerly Invitae), Labcorp
Classification: Pathogenic for Microcephaly, normal intelligence and immunodeficiency. Last evaluated: 2021-10-19. Review status: criteria provided, single submitter. Criteria: Invitae Variant Classification Sherloc (09022015). Collection method: clinical testing. Allele origin: germline.
Comment: This sequence change creates a premature translational stop signal (p.Arg724_Gln725delinsSer*) in the NBN gene. It is expected to result in an absent or disrupted protein product. Loss-of-function variants in NBN are known to be pathogenic (PMID: 9590180, 16415040). The frequency data for this variant in the population databases is not available, as this variant may be reported as separate entries in the ExAC database. This variant has not been reported in the literature in individuals affected with NBN-related conditions. ClinVar contains an entry for this variant (Variation ID: 1068989). For these reasons, this variant has been classified as Pathogenic.

Literature cited by the submitters: PubMed 9590180; PubMed 16415040.

NM_002485.5(NBN):c.2172_2173delinsTT (p.Arg724_Gln725delinsSerTer)

Gene: NBN (nibrin; minus strand). Cytogenetic location: 8q21.3.
Variant type: Indel.
Coding change: c.2172_2173delinsTT on transcript NM_002485.5 (MANE Select); coding-DNA positions 2172 to 2173, GC replaced by TT.
Protein change: p.Arg724_Gln725delinsSerTer.
Molecular consequence: nonsense.
Genome position (GRCh38, 1-based): chr8:89,943,264-89,943,265, GC replaced by AA on the plus strand (GC replaced by TT on the coding strand, the reverse complement: NBN is on the minus strand). VCF-style: chr8-89943264-GC-AA. GRCh37 (hg19) VCF-style: chr8-90955492-GC-AA.
Other names: c.1926_1927delinsTT, p.Arg642_Gln643delinsSerTer (NM_001024688.3).
Identifiers: ClinVar variation 1068989 (VCV001068989.7), dbSNP rs2130755275, ClinGen allele CA2499219404.
Genomic context (GRCh38, chr8:89,943,264, plus strand): 5'-GGACCAAAGTGCAATTTAAGCAAGTTTCTGGGCCTCACTTCCTACTAACCTCCATTTCCT[GC>AA]CTTAGCCACTCTTCTAGTTCTGTATTCTTTCGAGCATGATGAGCTATTAGATCTGATCCT-3'